The following is an entry in ClinVar:

NM_000038.6(APC):c.4316del (p.Pro1439fs)

Gene: APC (APC regulator of Wnt signaling pathway; plus strand). Cytogenetic location: 5q22.2.
Variant type: Deletion.
Coding change: c.4316del on transcript NM_000038.6 (MANE Select); coding-DNA position 4316, one base deleted (C; older notation c.4316delC).
Protein change: p.Pro1439fs; shifts the reading frame from proline 1439.
Molecular consequence: frameshift variant.
Genome position (GRCh38, 1-based): chr5:112,839,910, C deleted; the last of 2 consecutive C bases (chr5:112,839,909-112,839,910); deleting either gives the same sequence. VCF-style (leftmost placement, unchanged base first): chr5-112839908-AC-A. GRCh37 (hg19) VCF-style: chr5-112175605-AC-A.
Other names: c.4316del, p.Pro1439fs (NM_001127510.3, NM_001354895.2); c.4262del, p.Pro1421fs (NM_001127511.3); c.4370del, p.Pro1457fs (NM_001354896.2); c.4346del, p.Pro1449fs (NM_001354897.2); c.4241del, p.Pro1414fs (NM_001354898.2); c.4232del, p.Pro1411fs (NM_001354899.2); c.4193del, p.Pro1398fs (NM_001354900.2); c.4139del, p.Pro1380fs (NM_001354901.2); and 5 more; short protein forms P1156fs, P1279fs, P1313fs, P1338fs, P1348fs, P1380fs, P1398fs, P1411fs.
Identifiers: ClinVar variation 1069797 (VCV001069797.10), dbSNP rs2149911506, ClinGen allele CA445964468.
Genomic context (GRCh38, chr5:112,839,908, plus strand): 5'-AAGCCCCAGTGATCTTCCAGATAGCCCTGGACAAACCATGCCACCAAGCAGAAGTAAAAC[AC>A]CTCCACCACCTCCTCAAACAGCTCAAACCAAGCGAGAAGTACCTAAAAATAAAGCACCTA-3'

ClinVar aggregate classification (germline): Pathogenic (1 of 4 stars; one submission).

Conditions:
Familial adenomatous polyposis 1 (FAP1). Also called: FAMILIAL ADENOMATOUS POLYPOSIS 1, ATTENUATED; POLYPOSIS, ADENOMATOUS INTESTINAL. Identifiers: MedGen C2713442, MONDO:0021056, OMIM 175100. Disease mechanism: loss of function.

Submission:

Labcorp Genetics (formerly Invitae), Labcorp
Classification: Pathogenic for Familial adenomatous polyposis 1. Last evaluated: 2022-08-16. Review status: criteria provided, single submitter. Criteria: Invitae Variant Classification Sherloc (09022015). Collection method: clinical testing. Allele origin: germline.
Comment: For these reasons, this variant has been classified as Pathogenic. A different truncation (p.Tyr2645Lysfs*14) that lies downstream of this variant has been determined to be pathogenic (PMID: 9824584, 1316610, 27081525, 8381579, 22135120, Invitae). This suggests that deletion of this region of the APC protein is causative of disease. This variant is expected to disrupt the EB1 and HDLG binding sites, which mediate interactions with the cytoskeleton (PMID: 15311282, 17293347). While functional studies have not been performed to directly test the effect on APC protein function, this suggests that disruption of the C-terminal portion of the protein is functionally important. ClinVar contains an entry for this variant (Variation ID: 1069797). This premature translational stop signal has been observed in individual(s) with clinical features of familial adenomatous polyposis (Invitae). This variant is not present in population databases (gnomAD no frequency). This sequence change creates a premature translational stop signal (p.Pro1439Leufs*34) in the APC gene. While this is not anticipated to result in nonsense mediated decay, it is expected to disrupt the last 1405 amino acid(s) of the APC protein.

Literature cited by the submitters: PubMed 9824584; PubMed 1316610; PubMed 27081525; PubMed 8381579; PubMed 22135120; PubMed 15311282; PubMed 17293347.